The following is an entry in ClinVar:

ClinVar aggregate classification (germline): Likely benign. Review status: criteria provided, multiple submitters, no conflicts (2 of 4 stars). 3 submissions from 3 submitters: Likely benign (3). Last evaluated 2026-05-11.

Conditions:
Cardiovascular phenotype. Identifiers: MedGen CN230736.

Allele frequency attached by ClinVar (database versions not stated): ExAC 0.00003; 1000 Genomes Project 30x 0.00031; 1000 Genomes Project 0.00020; gnomAD 0.00002; gnomAD exomes below 0.00001.
gnomAD v4.1: 8 of 1,517,238 alleles (0.00053%); highest among the groups gnomAD compares: African/African-American, 0.0029%; no homozygotes.

Submissions (3):

Ambry Genetics
Classification: Likely benign for Cardiovascular phenotype. Last evaluated: 2026-05-11. Review status: criteria provided, single submitter. Criteria: Ambry Variant Classification Scheme 2023. Collection method: clinical testing. Allele origin: germline.

Labcorp Genetics (formerly Invitae), Labcorp
Classification: Likely benign. Last evaluated: 2025-07-30. Review status: criteria provided, single submitter. Criteria: Invitae Variant Classification Sherloc (09022015). Collection method: clinical testing. Allele origin: germline.

Women's Health and Genetics/Laboratory Corporation of America, LabCorp
Classification: Likely benign. Last evaluated: 2024-01-22. Review status: criteria provided, single submitter. Criteria: LabCorp Variant Classification Summary - May 2015. Collection method: clinical testing. Allele origin: germline.
Comment: Variant summary: LOX c.66C>T alters a conserved nucleotide resulting in a synonymous change. Consensus agreement among computation tools predict no significant impact on normal splicing. However, these predictions have yet to be confirmed by functional studies. The frequency data for this variant in gnomAD is considered unreliable, as metrics indicate poor data quality at this position. To our knowledge, no occurrence of c.66C>T in individuals affected with Aortopathy and no experimental evidence demonstrating its impact on protein function have been reported. No submitters have cited clinical-significance assessments for this variant to ClinVar. Based on the evidence outlined above, the variant was classified as likely benign.

NM_002317.7(LOX):c.66C>T (p.Ala22=)

Genes: LOX (lysyl oxidase; minus strand), SRFBP1 (serum response factor binding protein 1; plus strand). Cytogenetic location: 5q23.1.
Variant type: single nucleotide variant.
Coding change: c.66C>T on transcript NM_002317.7 (MANE Select); coding-DNA position 66, C replaced by T.
Protein change: p.Ala22=; no amino-acid change (alanine 22 retained).
Molecular consequence: synonymous variant.
Genome position (GRCh38, 1-based): chr5:122,077,920, G>A on the plus strand (C>T on the coding strand, the complement: LOX is on the minus strand). VCF-style: chr5-122077920-G-A. GRCh37 (hg19) VCF-style: chr5-121413615-G-A.
Other names: c.66C>T (NM_002317.5).
Identifiers: ClinVar variation 3006923 (VCV003006923.5), dbSNP rs543644173, ClinGen allele CA3384130.